The following is an entry in ClinVar:

NM_014956.5(CEP164):c.2941G>A (p.Glu981Lys)

Gene: CEP164 (centrosomal protein 164; plus strand). Cytogenetic location: 11q23.3.
Variant type: single nucleotide variant.
Coding change: c.2941G>A on transcript NM_014956.5 (MANE Select); coding-DNA position 2941, G replaced by A.
Protein change: p.Glu981Lys; replaces glutamic acid 981 with lysine.
Molecular consequence: missense variant.
Genome position (GRCh38, 1-based): chr11:117,395,574, G>A. VCF-style: chr11-117395574-G-A. GRCh37 (hg19) VCF-style: chr11-117266290-G-A.
Other names: c.2950G>A, p.Glu984Lys (NM_001271933.2, NM_001440949.1); c.2941G>A, p.Glu981Lys (NM_001440950.1, NM_001440951.1, NM_001440953.1); c.2776G>A, p.Glu926Lys (NM_001440952.1, NM_001440968.1, NM_001440969.1); c.2863G>A, p.Glu955Lys (NM_001440954.1, NM_001440955.1, NM_001440958.1 and 1 more transcripts); c.2854G>A, p.Glu952Lys (NM_001440956.1, NM_001440957.1); c.2812G>A, p.Glu938Lys (NM_001440960.1); c.2803G>A, p.Glu935Lys (NM_001440961.1, NM_001440967.1); c.2794G>A, p.Glu932Lys (NM_001440962.1, NM_001440963.1, NM_001440964.1 and 4 more transcripts); and 7 more; short protein forms E928K, E932K, E935K, E952K, E836K, E862K, E906K, E926K.
Identifiers: ClinVar variation 4994394 (VCV004994394.1).

ClinVar aggregate classification (germline): Uncertain significance (1 of 4 stars; one submission).

Conditions:
CEP164-related disorder. Also called: CEP164-related condition.

Submission:

PreventionGenetics, part of Exact Sciences
Classification: Uncertain significance for CEP164-related condition. Last evaluated: 2026-02-10. Review status: criteria provided, single submitter. Criteria: ACMG Guidelines, 2015. Collection method: clinical testing. Allele origin: germline.
Comment: The CEP164 c.2941G>A variant is predicted to result in the amino acid substitution p.Glu981Lys. To our knowledge, this variant has not been reported in the literature or in a large population database (gnomAD), indicating this variant is rare. At this time, the clinical significance of this variant is uncertain due to the absence of conclusive functional and genetic evidence.